The following is an entry in ClinVar:

ClinVar aggregate classification (germline): Benign/Likely benign. Review status: criteria provided, multiple submitters, no conflicts (2 of 4 stars). 4 submissions from 4 submitters: Benign (1); Likely benign (3). Last evaluated 2026-04-01.

Allele frequency attached by ClinVar (database versions not stated): 1000 Genomes Project 0.00060; ExAC 0.00065; 1000 Genomes Project 30x 0.00078; gnomAD 0.00103; ESP Exome Variant Server 0.00117; gnomAD exomes 0.00167.
gnomAD v4.1: 2,567 of 1,613,562 alleles (0.16%); highest among the groups gnomAD compares: Non-Finnish European, 0.2%; 2 homozygotes.

Submissions (4):

CeGaT Center for Human Genetics Tuebingen
Classification: Likely benign. Last evaluated: 2026-04-01. Review status: criteria provided, single submitter. Criteria: CeGaT Center For Human Genetics Tuebingen Variant Classification Criteria Version 2. Collection method: clinical testing. Allele origin: germline. Affected: yes. Observed: 1 variant allele.
Comment: SPEG: BP4, BP7

Labcorp Genetics (formerly Invitae), Labcorp
Classification: Benign. Last evaluated: 2026-01-06. Review status: criteria provided, single submitter. Criteria: Invitae Variant Classification Sherloc (09022015). Collection method: clinical testing. Allele origin: germline.

Mayo Clinic Laboratories, Mayo Clinic
Classification: Likely benign. Last evaluated: 2025-03-05. Review status: criteria provided, single submitter. Criteria: ACMG Guidelines, 2015. Collection method: clinical testing. Allele origin: germline. Observed: 2 variant alleles.
Comment: BS1, BP4, BP7

Blueprint Genetics
Classification: Likely benign. Last evaluated: 2024-11-01. Review status: criteria provided, single submitter. Criteria: ACMG Guidelines, 2015. Collection method: clinical testing. Allele origin: germline.

NM_005876.5(SPEG):c.3693C>T (p.Ser1231=)

Gene: SPEG (striated muscle enriched protein kinase; plus strand). Cytogenetic location: 2q35.
Variant type: single nucleotide variant.
Coding change: c.3693C>T on transcript NM_005876.5 (MANE Select); coding-DNA position 3693, C replaced by T.
Protein change: p.Ser1231=; no amino-acid change (serine 1231 retained).
Molecular consequence: synonymous variant.
Genome position (GRCh38, 1-based): chr2:219,469,357, C>T. VCF-style: chr2-219469357-C-T. GRCh37 (hg19) VCF-style: chr2-220334079-C-T.
Other names: p.Ser1231=.
Identifiers: ClinVar variation 2072237 (VCV002072237.8), dbSNP rs200872790, ClinGen allele CA2126238.